The following is an entry in ClinVar:

NM_001204.7(BMPR2):c.2699C>T (p.Thr900Ile)

Gene: BMPR2 (bone morphogenetic protein receptor type 2; plus strand). Cytogenetic location: 2q33.2.
Variant type: single nucleotide variant.
Coding change: c.2699C>T on transcript NM_001204.7 (MANE Select); coding-DNA position 2699, C replaced by T.
Protein change: p.Thr900Ile; replaces threonine 900 with isoleucine.
Molecular consequence: missense variant.
Genome position (GRCh38, 1-based): chr2:202,556,364, C>T. VCF-style: chr2-202556364-C-T. GRCh37 (hg19) VCF-style: chr2-203421087-C-T.
Other names: short protein forms T900I.
Identifiers: ClinVar variation 3992145 (VCV003992145.1).

ClinVar aggregate classification (germline): Uncertain significance (1 of 4 stars; one submission).

Conditions:
Inborn genetic diseases. Identifiers: MedGen C0950123, MeSH D030342.

gnomAD v4.1: 1 of 1,614,180 alleles (0.000062%); highest among the groups gnomAD compares: Admixed American, 0.0017%; no homozygotes.

Submission:

Ambry Genetics
Classification: Uncertain significance for Inborn genetic diseases. Last evaluated: 2025-05-02. Review status: criteria provided, single submitter. Criteria: Ambry Variant Classification Scheme 2023. Collection method: clinical testing. Allele origin: germline.
Comment: The p.T900I variant (also known as c.2699C>T), located in coding exon 12 of the BMPR2 gene, results from a C to T substitution at nucleotide position 2699. The threonine at codon 900 is replaced by isoleucine, an amino acid with similar properties. This amino acid position is conserved. In addition, the in silico prediction for this alteration is inconclusive. Based on the available evidence, the clinical significance of this variant remains unclear.